The following is an entry in ClinVar:

ClinVar aggregate classification (germline): Uncertain significance (1 of 4 stars; one submission).

gnomAD v4.1: 2 of 1,572,414 alleles (0.00013%); highest among the groups gnomAD compares: Non-Finnish European, 0.00017%; no homozygotes.

Submission:

Labcorp Genetics (formerly Invitae), Labcorp
Classification: Uncertain significance. Last evaluated: 2022-01-27. Review status: criteria provided, single submitter. Criteria: Invitae Variant Classification Sherloc (09022015). Collection method: clinical testing. Allele origin: germline.
Comment: In summary, the available evidence is currently insufficient to determine the role of this variant in disease. Therefore, it has been classified as a Variant of Uncertain Significance. Algorithms developed to predict the effect of missense changes on protein structure and function are either unavailable or do not agree on the potential impact of this missense change (SIFT: "Deleterious"; PolyPhen-2: "Benign"; Align-GVGD: "Class C0"). This variant has not been reported in the literature in individuals affected with TUBGCP6-related conditions. This variant is not present in population databases (gnomAD no frequency). This sequence change replaces threonine, which is neutral and polar, with asparagine, which is neutral and polar, at codon 1360 of the TUBGCP6 protein (p.Thr1360Asn).

NM_020461.4(TUBGCP6):c.4079C>A (p.Thr1360Asn)

Gene: TUBGCP6 (tubulin gamma complex component 6; minus strand). Cytogenetic location: 22q13.33.
Variant type: single nucleotide variant.
Coding change: c.4079C>A on transcript NM_020461.4 (MANE Select); coding-DNA position 4079, C replaced by A.
Protein change: p.Thr1360Asn; replaces threonine 1360 with asparagine.
Molecular consequence: missense variant.
Genome position (GRCh38, 1-based): chr22:50,220,280, G>T on the plus strand (C>A on the coding strand, the complement: TUBGCP6 is on the minus strand). VCF-style: chr22-50220280-G-T. GRCh37 (hg19) VCF-style: chr22-50658709-G-T.
Other names: short protein forms T1360N.
Identifiers: ClinVar variation 1935052 (VCV001935052.3), dbSNP rs955033393, ClinGen allele CA325511605.